The following is an entry in ClinVar:

NM_000540.3(RYR1):c.7668G>A (p.Leu2556=)

Gene: RYR1 (ryanodine receptor 1; plus strand). Cytogenetic location: 19q13.2.
Variant type: single nucleotide variant.
Coding change: c.7668G>A on transcript NM_000540.3 (MANE Select); coding-DNA position 7668, G replaced by A.
Protein change: p.Leu2556=; no amino-acid change (leucine 2556 retained).
Molecular consequence: synonymous variant.
Genome position (GRCh38, 1-based): chr19:38,502,560, G>A. VCF-style: chr19-38502560-G-A. GRCh37 (hg19) VCF-style: chr19-38993200-G-A.
Other names: c.7668G>A, p.Leu2556= (NM_001042723.2).
Identifiers: ClinVar variation 4758533 (VCV004758533.2).
Genomic context (GRCh38, chr19:38,502,560, plus strand): 5'-GCCCTAGGCCACTTTCAGCACCACCGAGATGGCGCTGGCGCTGAACCGCTACCTGTGCCT[G>A]GCCGTGCTGCCGCTCATCACCAAGTGTGCGCCGCTCTTTGCGGGCACAGAACACCGCGCC-3'
Protein context (NP_000531.2, residues 2546-2566): MALALNRYLC[Leu2556=]AVLPLITKCA

ClinVar aggregate classification (germline): Conflicting classifications of pathogenicity. Review status: criteria provided, conflicting classifications (1 of 4 stars). 2 submissions from 2 submitters: Uncertain significance (1); Likely benign (1). Last evaluated 2025-11-20.

Conditions:
RYR1-related disorder. Also called: RYR1-related disorders; RYR1-related condition. Identifiers: MedGen CN239331.
Malignant hyperthermia, susceptibility to, 1 (MHS1). Also called: RYR1-Related Malignant Hyperthermia Susceptibility; Malignant hyperthermia suceptibility 1; Anesthesia related hyperthermia; Malignant hyperpyrexia; Fulminating hyperpyrexia; Pharmacogenic myopathy. Identifiers: Orphanet 423, MedGen C2930980, MONDO:0007783, OMIM 145600.

gnomAD v4.1: 18 of 1,611,778 alleles (0.0011%); highest among the groups gnomAD compares: Middle Eastern, 0.016%; no homozygotes.

Submissions (2):

Labcorp Genetics (formerly Invitae), Labcorp
Classification: Likely benign for RYR1-related disorder. Last evaluated: 2025-11-20. Review status: criteria provided, single submitter. Criteria: Invitae Variant Classification Sherloc (09022015). Collection method: clinical testing. Allele origin: germline.

Color Diagnostics, LLC DBA Color Health
Classification: Uncertain significance for Malignant hyperthermia, susceptibility to, 1. Last evaluated: 2025-06-23. Review status: criteria provided, single submitter. Criteria: ACMG Guidelines, 2015. Collection method: clinical testing. Allele origin: germline.
Comment: This variant is located in the RYR1 protein. To our knowledge, functional studies have not been reported for this variant. This variant has not been reported in individuals affected with RYR1-related disorders in the literature. This variant has been identified in 1/249530 chromosomes in the general population by the Genome Aggregation Database (gnomAD). The available evidence is insufficient to determine the role of this variant in disease conclusively. Therefore, this variant is classified as a Variant of Uncertain Significance.